The following is an entry in ClinVar:

NM_020340.5(ARFGEF3):c.4968C>T (p.Ala1656=)

Gene: ARFGEF3 (ARFGEF family member 3; plus strand). Cytogenetic location: 6q24.1.
Variant type: single nucleotide variant.
Coding change: c.4968C>T on transcript NM_020340.5 (MANE Select); coding-DNA position 4968, C replaced by T.
Protein change: p.Ala1656=; no amino-acid change (alanine 1656 retained).
Molecular consequence: synonymous variant.
Genome position (GRCh38, 1-based): chr6:138,324,121, C>T. VCF-style: chr6-138324121-C-T. GRCh37 (hg19) VCF-style: chr6-138645258-C-T.
Identifiers: ClinVar variation 3055398 (VCV003055398.2), dbSNP rs74871684, ClinGen allele CA4021520.

ClinVar aggregate classification (germline): Likely benign (0 of 4 stars; one submission).

Conditions:
ARFGEF3-related disorder. Also called: ARFGEF3-related condition.

Allele frequency attached by ClinVar (database versions not stated): gnomAD exomes 0.00014; ExAC 0.00039; 1000 Genomes Project 30x 0.00078; 1000 Genomes Project 0.00080; gnomAD 0.00121; ESP Exome Variant Server 0.00123; TOPMed 0.00147.
gnomAD v4.1: 393 of 1,613,744 alleles (0.024%); highest among the groups gnomAD compares: African/African-American, 0.45%; 2 homozygotes.

Submission:

PreventionGenetics, part of Exact Sciences
Classification: Likely benign for ARFGEF3-related condition. Last evaluated: 2020-04-29. Review status: no assertion criteria provided. Collection method: clinical testing. Allele origin: germline.
Comment: This variant is classified as likely benign based on ACMG/AMP sequence variant interpretation guidelines (Richards et al. 2015 PMID: 25741868, with internal and published modifications).